The following is an entry in ClinVar:

ClinVar aggregate classification (germline): Uncertain significance. Review status: criteria provided, multiple submitters, no conflicts (2 of 4 stars). 3 submissions from 3 submitters: Uncertain significance (3). Last evaluated 2022-04-10.

Conditions:
Imerslund-Grasbeck syndrome. Also called: Imerslund-Gräsbeck syndrome; Megaloblastic anemia due to inborn errors of metabolism; ENTEROCYTE COBALAMIN MALABSORPTION; ENTEROCYTE INTRINSIC FACTOR RECEPTOR, DEFECT OF; PERNICIOUS ANEMIA, JUVENILE, DUE TO SELECTIVE INTESTINAL MALABSORPTION OF VITAMIN B12, WITH PROTEINURIA. Identifiers: Orphanet 35858, MedGen C4551825, MONDO:0009853.
Imerslund-Grasbeck syndrome type 1 (IGS1). Also called: Megaloblastic anemia 1, Finnish type; MEGALOBLASTIC ANEMIA, 1; Imerslund-Gräsbeck syndrome 1. Identifiers: MedGen C4016819, MONDO:0100156, OMIM 261100.
Proteinuria, chronic benign. Identifiers: MedGen C5394384, MONDO:0030042, OMIM 618884.

Allele frequency attached by ClinVar (database versions not stated): gnomAD exomes 0.00009 and 0.00018; ESP Exome Variant Server 0.00008; gnomAD 0.00008; ExAC 0.00020; TOPMed 0.00008.
gnomAD v4.1: 141 of 1,614,106 alleles (0.0087%); highest among the groups gnomAD compares: South Asian, 0.077%; 1 homozygote.

Submissions (3):

Labcorp Genetics (formerly Invitae), Labcorp
Classification: Uncertain significance for Imerslund-Grasbeck syndrome. Last evaluated: 2022-04-10. Review status: criteria provided, single submitter. Criteria: Invitae Variant Classification Sherloc (09022015). Collection method: clinical testing. Allele origin: germline.
Comment: This sequence change replaces glycine, which is neutral and non-polar, with serine, which is neutral and polar, at codon 3526 of the CUBN protein (p.Gly3526Ser). This variant is present in population databases (rs200330356, gnomAD 0.08%). This variant has not been reported in the literature in individuals affected with CUBN-related conditions. ClinVar contains an entry for this variant (Variation ID: 877271). Algorithms developed to predict the effect of missense changes on protein structure and function (SIFT, PolyPhen-2, Align-GVGD) all suggest that this variant is likely to be tolerated. In summary, the available evidence is currently insufficient to determine the role of this variant in disease. Therefore, it has been classified as a Variant of Uncertain Significance.

Fulgent Genetics
Classification: Uncertain significance for Imerslund-Grasbeck syndrome type 1; Proteinuria, chronic benign. Last evaluated: 2022-04-06. Review status: criteria provided, single submitter. Criteria: ACMG Guidelines, 2015. Collection method: clinical testing. Allele origin: unknown.

Illumina Laboratory Services, Illumina
Classification: Uncertain significance for Imerslund-Grasbeck syndrome type 1. Last evaluated: 2018-01-13. Review status: criteria provided, single submitter. Criteria: ICSL Variant Classification Criteria 13 December 2019. Collection method: clinical testing. Allele origin: germline.

NM_001081.4(CUBN):c.10576G>A (p.Gly3526Ser)

Gene: CUBN (cubilin; minus strand). Cytogenetic location: 10p13.
Variant type: single nucleotide variant.
Coding change: c.10576G>A on transcript NM_001081.4 (MANE Select); coding-DNA position 10576, G replaced by A.
Protein change: p.Gly3526Ser; replaces glycine 3526 with serine.
Molecular consequence: missense variant.
Genome position (GRCh38, 1-based): chr10:16,828,993, C>T on the plus strand (G>A on the coding strand, the complement: CUBN is on the minus strand). VCF-style: chr10-16828993-C-T. GRCh37 (hg19) VCF-style: chr10-16870992-C-T.
Other names: short protein forms G3526S.
Identifiers: ClinVar variation 877271 (VCV000877271.10), dbSNP rs200330356, ClinGen allele CA5422346.